The following is an entry in ClinVar:

ClinVar aggregate classification (germline): Uncertain significance (1 of 4 stars; one submission).

Conditions:
Cardiomyopathy (CMYO). Also called: Cardiomyopathies. Identifiers: Orphanet 167848, MedGen C0878544, MONDO:0004994, HP:0001638. Inheritance: Various modes of inheritance.

Submission:

Color Diagnostics, LLC DBA Color Health
Classification: Uncertain significance for Cardiomyopathy. Last evaluated: 2023-12-05. Review status: criteria provided, single submitter. Criteria: ACMG Guidelines, 2015. Collection method: clinical testing. Allele origin: germline.
Comment: This missense variant replaces isoleucine with valine at codon 2436 of the RYR2 protein. Computational prediction tools and conservation analyses suggest that this variant may have deleterious impact on protein function. Computational splicing tools suggest that this variant may not impact RNA splicing. To our knowledge, functional assays have not been performed for this variant nor has this variant been reported in individuals affected with cardiovascular disorders in the literature. This variant has not been identified in the general population by the Genome Aggregation Database (gnomAD). Available evidence is insufficient to determine the role of this variant in disease conclusively. Therefore, this variant is classified as a Variant of Uncertain Significance.

NM_001035.3(RYR2):c.7306A>G (p.Ile2436Val)

Gene: RYR2 (ryanodine receptor 2; plus strand). Cytogenetic location: 1q43.
Variant type: single nucleotide variant.
Coding change: c.7306A>G on transcript NM_001035.3 (MANE Select); coding-DNA position 7306, A replaced by G.
Protein change: p.Ile2436Val; replaces isoleucine 2436 with valine.
Molecular consequence: missense variant.
Genome position (GRCh38, 1-based): chr1:237,643,411, A>G. VCF-style: chr1-237643411-A-G. GRCh37 (hg19) VCF-style: chr1-237806711-A-G.
Other names: short protein forms I2436V.
Identifiers: ClinVar variation 923731 (VCV000923731.5), dbSNP rs1681780165, ClinGen allele CA345397024.